The following is an entry in ClinVar:

NM_001987.5(ETV6):c.724A>G (p.Asn242Asp)

Gene: ETV6 (ETS variant transcription factor 6; plus strand). Cytogenetic location: 12p13.2.
Variant type: single nucleotide variant.
Coding change: c.724A>G on transcript NM_001987.5 (MANE Select); coding-DNA position 724, A replaced by G.
Protein change: p.Asn242Asp; replaces asparagine 242 with aspartic acid.
Molecular consequence: missense variant.
Genome position (GRCh38, 1-based): chr12:11,869,684, A>G. VCF-style: chr12-11869684-A-G. GRCh37 (hg19) VCF-style: chr12-12022618-A-G.
Other names: c.721A>G, p.Asn241Asp (NM_001413913.1); c.697A>G, p.Asn233Asp (NM_001413914.1); c.460A>G, p.Asn154Asp (NM_001413915.1); c.724A>G, p.Asn242Asp (NM_001413916.1, NM_001413917.1); short protein forms N241D, N233D, N242D, N154D.
Identifiers: ClinVar variation 3846466 (VCV003846466.1).

ClinVar aggregate classification (germline): Uncertain significance (1 of 4 stars; one submission).

Conditions:
Inborn genetic diseases. Identifiers: MedGen C0950123, MeSH D030342.

gnomAD v4.1: 2 of 1,614,004 alleles (0.00012%); highest among the groups gnomAD compares: Non-Finnish European, 0.00017%; no homozygotes.

Submission:

Ambry Genetics
Classification: Uncertain significance for Inborn genetic diseases. Last evaluated: 2024-12-21. Review status: criteria provided, single submitter. Criteria: Ambry Variant Classification Scheme 2023. Collection method: clinical testing. Allele origin: germline.
Comment: The p.N242D variant (also known as c.724A>G), located in coding exon 5 of the ETV6 gene, results from an A to G substitution at nucleotide position 724. The asparagine at codon 242 is replaced by aspartic acid, an amino acid with highly similar properties. This amino acid position is conserved. In addition, this alteration is predicted to be tolerated by in silico analysis. Based on the available evidence, the clinical significance of this variant remains unclear.